The following is an entry in ClinVar:

NM_000135.4(FANCA):c.3765+2C>T

Gene: FANCA (FA complementation group A; minus strand). Cytogenetic location: 16q24.3.
Variant type: single nucleotide variant.
Coding change: c.3765+2C>T on transcript NM_000135.4 (MANE Select); the canonical splice donor site of the intron after coding-DNA position 3765, C replaced by T.
Molecular consequence: splice donor variant.
Genome position (GRCh38, 1-based): chr16:89,742,798, G>A on the plus strand (C>T on the coding strand, the complement: FANCA is on the minus strand). VCF-style: chr16-89742798-G-A. GRCh37 (hg19) VCF-style: chr16-89809206-G-A.
Other names: c.3765+2C>T (NM_001286167.3).
Identifiers: ClinVar variation 963699 (VCV000963699.9), dbSNP rs776827467, ClinGen allele CA8250996.

ClinVar aggregate classification (germline): Likely pathogenic. Review status: criteria provided, multiple submitters, no conflicts (2 of 4 stars). 2 submissions from 2 submitters: Likely pathogenic (2). Last evaluated 2023-03-02.

Conditions:
Fanconi anemia (FA). Also called: Fanconi's anemia. Identifiers: Orphanet 84, MedGen C0015625, MeSH D005199, MONDO:0019391.
Fanconi anemia complementation group A (FANCA). Also called: FANCA-Related Fanconi Anemia; Fanconi anemia, group A. Identifiers: Orphanet 84, MedGen C3469521, MONDO:0009215, OMIM 227650.

Allele frequency attached by ClinVar (database versions not stated): gnomAD exomes below 0.00001; ExAC 0.00001.
gnomAD v4.1: 2 of 1,613,278 alleles (0.00012%); highest among the groups gnomAD compares: African/African-American, 0.0013%; no homozygotes.

Submissions (2):

Baylor Genetics
Classification: Likely pathogenic for Fanconi anemia complementation group A. Last evaluated: 2023-03-02. Review status: criteria provided, single submitter. Criteria: ACMG Guidelines, 2015. Collection method: clinical testing. Allele origin: unknown.

Labcorp Genetics (formerly Invitae), Labcorp
Classification: Likely pathogenic for Fanconi anemia. Last evaluated: 2021-12-16. Review status: criteria provided, single submitter. Criteria: Invitae Variant Classification Sherloc (09022015). Collection method: clinical testing. Allele origin: germline.
Comment: This variant is present in population databases (rs776827467, gnomAD 0.003%). In summary, the currently available evidence indicates that the variant is pathogenic, but additional data are needed to prove that conclusively. Therefore, this variant has been classified as Likely Pathogenic. Algorithms developed to predict the effect of sequence changes on RNA splicing suggest that this variant may create or strengthen a splice site. ClinVar contains an entry for this variant (Variation ID: 963699). This variant has not been reported in the literature in individuals affected with FANCA-related conditions. This sequence change affects a donor splice site in intron 37 of the FANCA gene. It is expected to disrupt RNA splicing. Variants that disrupt the donor or acceptor splice site typically lead to a loss of protein function (PMID: 16199547), and loss-of-function variants in FANCA are known to be pathogenic (PMID: 19367192).

Literature cited by the submitters: PubMed 16199547 (cited by Labcorp Genetics (formerly Invitae), Labcorp); PubMed 19367192 (cited by Labcorp Genetics (formerly Invitae), Labcorp).